The following is an entry in ClinVar:

ClinVar aggregate classification (germline): Uncertain significance (1 of 4 stars; one submission).

Allele frequency attached by ClinVar (database versions not stated): ExAC 0.00001; gnomAD exomes 0.00002; gnomAD 0.00003; TOPMed 0.00003; ESP Exome Variant Server 0.00008.
gnomAD v4.1: 29 of 1,613,910 alleles (0.0018%); highest among the groups gnomAD compares: African/African-American, 0.0053%; no homozygotes.

Submission:

Labcorp Genetics (formerly Invitae), Labcorp
Classification: Uncertain significance. Last evaluated: 2023-04-20. Review status: criteria provided, single submitter. Criteria: Invitae Variant Classification Sherloc (09022015). Collection method: clinical testing. Allele origin: germline.
Comment: In summary, the available evidence is currently insufficient to determine the role of this variant in disease. Therefore, it has been classified as a Variant of Uncertain Significance. An algorithm developed to predict the effect of missense changes on protein structure and function (PolyPhen-2) suggests that this variant is likely to be disruptive. ClinVar contains an entry for this variant (Variation ID: 1521665). This variant has not been reported in the literature in individuals affected with ASRGL1-related conditions. This variant is present in population databases (rs140534013, gnomAD 0.004%). This sequence change replaces glycine, which is neutral and non-polar, with serine, which is neutral and polar, at codon 195 of the ASRGL1 protein (p.Gly195Ser).

NM_001083926.2(ASRGL1):c.583G>A (p.Gly195Ser)

Gene: ASRGL1 (asparaginase and isoaspartyl peptidase 1; plus strand). Cytogenetic location: 11q12.3.
Variant type: single nucleotide variant.
Coding change: c.583G>A on transcript NM_001083926.2 (MANE Select); coding-DNA position 583, G replaced by A.
Protein change: p.Gly195Ser; replaces glycine 195 with serine.
Molecular consequence: missense variant.
Genome position (GRCh38, 1-based): chr11:62,389,224, G>A. VCF-style: chr11-62389224-G-A. GRCh37 (hg19) VCF-style: chr11-62156696-G-A.
Other names: c.583G>A, p.Gly195Ser (NM_025080.4); short protein forms G195S.
Identifiers: ClinVar variation 1521665 (VCV001521665.6), dbSNP rs140534013, ClinGen allele CA6043241.